The following is an entry in ClinVar:

ClinVar aggregate classification (germline): Pathogenic (1 of 4 stars; one submission).

Conditions:
Polycystic kidney disease, adult type (PKD1). Also called: POLYCYSTIC KIDNEY DISEASE 1 WITH OR WITHOUT POLYCYSTIC LIVER DISEASE; Polycystic Kidney Disease 1, Autosomal Dominant; Polycystic kidney disease 1; Polycystic kidney disease 1, severe; Polycystic Kidney, Autosomal Dominant; POLYCYSTIC KIDNEY DISEASE, ADULT, TYPE I. Identifiers: MedGen C3149841, MONDO:0008263, OMIM 173900.

Submission:

Cavalleri Lab, Royal College of Surgeons in Ireland
Classification: Pathogenic for Polycystic kidney disease, adult type. Last evaluated: 2020-02-05. Review status: criteria provided, single submitter. Criteria: ACMG Guidelines, 2015. Collection method: research. Allele origin: unknown. Inheritance: Autosomal dominant inheritance. Affected: yes.
Comment: PVS1, PM2,PP4

NM_001009944.3(PKD1):c.711del (p.Ser238fs)

Gene: PKD1 (polycystin 1, transient receptor potential channel interacting; minus strand). Cytogenetic location: 16p13.3.
Variant type: Deletion.
Coding change: c.711del on transcript NM_001009944.3 (MANE Select); coding-DNA position 711, one base deleted (C; older notation c.711delC).
Protein change: p.Ser238fs; shifts the reading frame from serine 238.
Molecular consequence: frameshift variant.
Genome position (GRCh38, 1-based): chr16:2,118,281, G deleted on the plus strand (C on the coding strand, the reverse complement: PKD1 is on the minus strand); the first of 3 consecutive G bases (chr16:2,118,281-2,118,283); deleting any one gives the same sequence. VCF-style (leftmost placement, unchanged base first): chr16-2118280-AG-A. GRCh37 (hg19) VCF-style: chr16-2168281-AG-A.
Other names: c.711del, p.Ser238fs (NM_000296.4); c.711delC (NM_001009944.3); short protein forms S238fs.
Identifiers: ClinVar variation 873396 (VCV000873396.1), dbSNP rs2092672595, ClinGen allele CA1139664405.
Genomic context (GRCh38, chr16:2,118,280, plus strand): 5'-TGGGGGCAGGAGGTGGCGGGGGGCCGGAGCAGAGGGACAGGCAGGCAAAGGAGGCACTGG[AG>A]GGCTGGGCCGCCCCACACAGGCACCAGCCCTGCTCCGAGAGGGCTGCGAGGCCCTGGCCG-3'